The following is an entry in ClinVar:

ClinVar aggregate classification (germline): Likely benign (1 of 4 stars; one submission).

Allele frequency attached by ClinVar (database versions not stated): 1000 Genomes Project 0.00120; 1000 Genomes Project 30x 0.00141; gnomAD 0.00265; TOPMed 0.00266; ESP Exome Variant Server 0.00408.
gnomAD v4.1: 4,819 of 1,575,128 alleles (0.31%); highest among the groups gnomAD compares: Non-Finnish European, 0.37%; 142 homozygotes.

Submission:

CeGaT Center for Human Genetics Tuebingen
Classification: Likely benign. Last evaluated: 2026-05-01. Review status: criteria provided, single submitter. Criteria: CeGaT Center For Human Genetics Tuebingen Variant Classification Criteria Version 2. Collection method: clinical testing. Allele origin: germline. Affected: yes. Observed: 7 variant alleles.
Comment: AHNAK2: BP4, BS2

NM_138420.4(AHNAK2):c.9799G>A (p.Val3267Met)

Gene: AHNAK2 (AHNAK nucleoprotein 2; minus strand). Cytogenetic location: 14q32.33.
Variant type: single nucleotide variant.
Coding change: c.9799G>A on transcript NM_138420.4 (MANE Select); coding-DNA position 9799, G replaced by A.
Protein change: p.Val3267Met; replaces valine 3267 with methionine.
Molecular consequence: missense variant.
Genome position (GRCh38, 1-based): chr14:104,945,652, C>T on the plus strand (G>A on the coding strand, the complement: AHNAK2 is on the minus strand). VCF-style: chr14-104945652-C-T. GRCh37 (hg19) VCF-style: chr14-105411989-C-T.
Other names: c.9499G>A, p.Val3167Met (NM_001350929.2); short protein forms V3167M, V3267M.
Identifiers: ClinVar variation 2644682 (VCV002644682.24), dbSNP rs182868270, ClinGen allele CA7379453.